The following is an entry in ClinVar:

ClinVar aggregate classification (germline): Benign/Likely benign. Review status: criteria provided, multiple submitters, no conflicts (2 of 4 stars). 3 submissions from 3 submitters: Benign (1); Likely benign (2). Last evaluated 2025-09-01.

Allele frequency attached by ClinVar (database versions not stated): TOPMed below 0.00001; gnomAD exomes 0.00001; gnomAD 0.00002.
gnomAD v4.1: 19 of 1,208,781 alleles (0.0016%); highest among the groups gnomAD compares: Non-Finnish European, 0.0019%; no homozygotes.

Submissions (3):

CeGaT Center for Human Genetics Tuebingen
Classification: Likely benign. Last evaluated: 2025-09-01. Review status: criteria provided, single submitter. Criteria: CeGaT Center For Human Genetics Tuebingen Variant Classification Criteria Version 2. Collection method: clinical testing. Allele origin: germline. Affected: yes. Observed: 2 variant alleles.
Comment: TAF1: BP4, BP7, BS2

Blueprint Genetics
Classification: Likely benign. Last evaluated: 2024-02-14. Review status: criteria provided, single submitter. Criteria: ACMG Guidelines, 2015. Collection method: clinical testing. Allele origin: germline.

Labcorp Genetics (formerly Invitae), Labcorp
Classification: Benign. Last evaluated: 2022-09-06. Review status: criteria provided, single submitter. Criteria: Invitae Variant Classification Sherloc (09022015). Collection method: clinical testing. Allele origin: germline.

NM_004606.5(TAF1):c.378T>A (p.Ala126=)

Gene: TAF1 (TATA-box binding protein associated factor 1; plus strand). Cytogenetic location: Xq13.1.
Variant type: single nucleotide variant.
Coding change: c.378T>A on transcript NM_004606.5 (MANE Select); coding-DNA position 378, T replaced by A.
Protein change: p.Ala126=; no amino-acid change (alanine 126 retained).
Molecular consequence: synonymous variant. On other transcripts: non-coding transcript variant (9).
Genome position (GRCh38, 1-based): chrX:71,375,192, T>A. VCF-style: chrX-71375192-T-A. GRCh37 (hg19) VCF-style: chrX-70595042-T-A.
Other names: c.378T>A, p.Ala126= (NM_001286074.2, NM_138923.4).
Identifiers: ClinVar variation 2020634 (VCV002020634.13), dbSNP rs1226732853, ClinGen allele CA516706435.